The following is an entry in ClinVar:

ClinVar aggregate classification (germline): Uncertain significance (1 of 4 stars; one submission).

Conditions:
GLB1-related disorder. Also called: GLB1-related disorders. Identifiers: MedGen CN377807.

Submission:

Myriad Genetics, Inc.
Classification: Uncertain significance for GLB1-related disorder. Last evaluated: 2025-08-19. Review status: criteria provided, single submitter. Criteria: Myriad Autosomal Dominant, Autosomal Recessive and X-Linked Classification Criteria (2023). Collection method: clinical testing. Allele origin: unknown.
Comment: NM_000404.2(GLB1):c.1935_1937delCTCinsGATG(S646Mfs*13) is a frameshift variant classified as a variant of uncertain significance in the context of GLB1-related disorders. S646Mfs*13 has not been observed in cases with relevant disease. Relevant functional assessments of this variant are not available in the literature. S646Mfs*13 has not been observed in referenced population frequency databases. In summary, there is insufficient evidence to classify NM_000404.2(GLB1):c.1935_1937delCTCinsGATG(S646Mfs*13) as pathogenic or benign. Please note: this variant was assessed in the context of healthy population screening.

NM_000404.4(GLB1):c.1935_1937delinsGATG (p.Ser646fs)

Gene: GLB1 (galactosidase beta 1; minus strand). Cytogenetic location: 3p22.3.
Variant type: Indel.
Coding change: c.1935_1937delinsGATG on transcript NM_000404.4 (MANE Select); coding-DNA positions 1935 to 1937, CTC replaced by GATG.
Protein change: p.Ser646fs; shifts the reading frame from serine 646.
Molecular consequence: frameshift variant. On other transcripts: intron variant (1).
Genome position (GRCh38, 1-based): chr3:32,997,142-32,997,144, GAG replaced by CATC on the plus strand (CTC replaced by GATG on the coding strand, the reverse complement: GLB1 is on the minus strand). VCF-style: chr3-32997142-GAG-CATC. GRCh37 (hg19) VCF-style: chr3-33038634-GAG-CATC.
Other names: c.1845_1847delinsGATG, p.Ser616fs (NM_001079811.3); c.1542_1544delinsGATG, p.Ser515fs (NM_001135602.3); c.2079_2081delinsGATG, p.Ser694fs (NM_001317040.2); c.1734+16912_1734+16914delinsGATG (NM_001393580.1); short protein forms S515fs, S616fs, S646fs, S694fs.
Identifiers: ClinVar variation 5004126 (VCV005004126.1).